The following continues an entry in ClinVar:

NM_000017.4(ACADS):c.319C>T (p.Arg107Cys)

Gene: ACADS. ClinVar aggregate classification (germline): Pathogenic. Pathogenic (17).

Submissions 11 to 21 of 21:

Ambry Genetics
Classification: Pathogenic for Inborn genetic diseases. Last evaluated: 2021-02-09. Review status: criteria provided, single submitter. Criteria: Ambry Variant Classification Scheme 2023. Collection method: clinical testing. Allele origin: germline.
Comment: The c.319C>T (p.R107C) alteration is located in coding exon 3 of the ACADS gene. This alteration results from a C to T substitution at nucleotide position 319, causing the arginine (R) at amino acid position 107 to be replaced by a cysteine (C). Based on data from the Genome Aggregation Database (gnomAD) database, the ACADS c.319C>T alteration was observed in 0.09% (219/251062) of total alleles studied, with a frequency of 1.88% (182/9668) in the Ashkenazi Jewish subpopulation. This alteration has been reported in the homozygous and compound heterozygous states in patients with short-chain acyl-CoA dehydrogenase deficiency and is a common mutation with an estimated carrier frequency of 1 in 15 in the Ashkenazi Jewish population (Naito, 1990; Tein, 2008; Pedersen, 2008). This amino acid position is highly conserved in available vertebrate species. In vitro functional expression studies showed that the c.319C>T mutant protein was unable to form a functional tetramer resulting in a decreased amount of SCAD protein, loss of enzyme activity, and increased oxidative stress (Tein, 2008; Schmidt, 2011; Edhager, 2014). The p.R107C alteration is predicted to be deleterious by in silico analysis. Based on the available evidence, this alteration is classified as pathogenic.

GeneDx
Classification: Pathogenic. Last evaluated: 2020-10-19. Review status: criteria provided, single submitter. Criteria: GeneDx Variant Classification Process June 2021. Collection method: clinical testing. Allele origin: germline. Affected: yes.
Comment: Expression studies found that R107C is associated with no residual short chain acyl-CoA dehydrogenase activity (Schmidt et al. 2011); In silico analysis, which includes protein predictors and evolutionary conservation, supports a deleterious effect; This variant is associated with the following publications: (PMID: 25333069, 22975760, 18054510, 21483766, 31737040, 21170680, 24485985, 1692038, 28516284, 29555771, 20429031, 18676165, 18523805, 18500942, 29431110, 30487145, 30609409, 22241096, 31620161, 31813752, 31980526)

Myriad Genetics, Inc.
Classification: Pathogenic for Deficiency of butyryl-CoA dehydrogenase. Last evaluated: 2019-11-12. Review status: criteria provided, single submitter. Criteria: Myriad Women's Health Autosomal Recessive and X-Linked Classification Criteria (2019). Collection method: clinical testing. Allele origin: unknown.
Comment: NM_000017.2(ACADS):c.319C>T(R107C) is classified as pathogenic in the context of short-chain acyl-CoA dehydrogenase deficiency. Sources cited for classification include the following: PMID 18523805, 1692038, 18054510, 22424739, 24485985 and 21170680. Classification of NM_000017.2(ACADS):c.319C>T(R107C) is based on the following criteria: This is a well-established pathogenic variant in the literature that has been observed more frequently in patients with clinical diagnoses than in healthy populations. Please note: this variant was assessed in the context of healthy population screening.

Fulgent Genetics
Classification: Pathogenic for Deficiency of butyryl-CoA dehydrogenase. Last evaluated: 2018-10-31. Review status: criteria provided, single submitter. Criteria: ACMG Guidelines, 2015. Collection method: clinical testing. Allele origin: unknown.

Illumina Laboratory Services, Illumina
Classification: Pathogenic for Deficiency of butyryl-CoA dehydrogenase. Last evaluated: 2018-01-18. Review status: criteria provided, single submitter. Criteria: ICSL Variant Classification Criteria 09 May 2019. Collection method: clinical testing. Allele origin: germline.
Comment: The ACADS c.319C>T (p.Arg107Cys) missense variant has been reported in at least three studies in which it is found in a total of 11 patients with SCAD deficiency including in five in a homozygous state and in six in a compound heterozygous state (Naito et al. 1990; Tein et al. 2008; Waisbren et al. 2008). Control data are unavailable for this variant, which is reported at a frequency of 0.01943 in the Ashkenazi Jewish population of the Genome Aggregation Database with two homozygotes also reported in this population. Considering the known variable expressivity of this condition, it is not unreasonable that a homozygote might be identified in the general population for this autosomal recessive condition. Schmidt et al. (2011) and Zolkipli et al. (2011) each studied functional consequences of the p.Arg107Cys variant both in homozygous and compound heterozygous states, and demonstrated protein misfolding, reduced activity, and decreased resistance to oxidative stress in cell model systems and cultured patient cells. Based on the collective evidence, the p.Arg107Cys variant is classified as pathogenic for SCAD deficiency. This variant was observed by ICSL as part of a predisposition screen in an ostensibly healthy population.

Eurofins Ntd Llc (ga)
Classification: Pathogenic. Last evaluated: 2017-01-06. Review status: criteria provided, single submitter. Criteria: EGL Classification Definitions 2015. Collection method: clinical testing. Allele origin: germline. Observed: 2 variant alleles, 2 heterozygotes.

Laboratory for Molecular Medicine, Mass General Brigham Personalized Medicine
Classification: Pathogenic for Deficiency of butyryl-CoA dehydrogenase. Last evaluated: 2015-12-29. Review status: criteria provided, single submitter. Criteria: LMM Criteria. Collection method: clinical testing. Allele origin: germline. Inheritance: Autosomal recessive inheritance. Observed: 4 variant alleles.
Comment: The p.Arg107Cys variant (NM_000017.2 c.319C>T) in ACADS has been reported in at least 11 individuals with clinical features of Acyl-CoA-dehydrogenase deficiency . Three of these individuals were homozygous and 8 were compound heterozygous (N aito 1990, Tein 2008). Furthermore, this variant and has been suggested to be a founder mutation in individuals of Ashkenazi Jewish origin (Tein 2008). In vitro functional studies provide some evidence that the p.Arg107Cys variant may impac t protein function (Tein 2008, Schmidt 2011, Edhager 2014). This variant has als o been reported in ClinVar (Variation ID#3826) as pathogenic. It has been identi fied in 1.9% (184/9472) of Ashkenazi Jewish chromosomes by the Genome Aggregatio n Database (gnomAD; dbSNP 61732144). Although this variant has been seen in the general population, its frequency is low enoug h to be consistent with a recessive carrier frequency. In summary, this variant meets our criteria to be classified as pathogenic for Acyl-CoA-dehydrogenase def iciency in an autosomal recessive manner based upon genetic and functional evide nce. ACMG/AMP Criteria applied: PM3_Very Strong, PS3, PP5.

Reproductive Health Research and Development, BGI Genomics
Classification: Pathogenic for Deficiency of butyryl-CoA dehydrogenase. Last evaluated: 2020-01-06. Review status: no assertion criteria provided. Collection method: curation. Allele origin: germline. Not counted in ClinVar's aggregate classification.
Comment: NM_000017.2:c.319C>T in the ACADS gene has an allele frequency of 0.019 in Ashkenazi Jewish subpopulation in the gnomAD database. Functional studies demonstrate that p.Arg107Cys give rise to inactive misfolded protein species, eliciting a mild toxic response manifested though a decreased proliferation rate and oxidative stress (PMID: 21170680). This variant has been reported as a founder mutation in individuals of Ashkenazi Jewish origin (PMID: 18054510).Pathogenic computational verdict because pathogenic predictions from DANN, DEOGEN2, EIGEN, FATHMM-MKL, M-CAP, MVP, MutationAssessor, MutationTaster, PrimateAI, REVEL and SIFT. Taken together, we interprete this variant as Pathogenic/Likely pathogenic. ACMG/AMP criteria applied: PS4; PS3; PP3; PP4; BS1.

Knight Diagnostic Laboratories, Oregon Health and Sciences University
Classification: Pathogenic for Deficiency of butyryl-CoA dehydrogenase. Last evaluated: 2015-02-02. Review status: no assertion criteria provided. Criteria: ACMG Guidelines, 2015. Collection method: clinical testing. Allele origin: germline. Inheritance: Autosomal recessive inheritance. Affected: no. Not counted in ClinVar's aggregate classification.

OMIM
Classification: Pathogenic for SCAD DEFICIENCY. Last evaluated: 2008-02-01. Review status: no assertion criteria provided. Collection method: literature only. Allele origin: germline. Not counted in ClinVar's aggregate classification.

GeneReviews
No classification provided. Condition: Deficiency of butyryl-CoA dehydrogenase. Review status: no classification provided. Collection method: literature only. Allele origin: germline. Affected: yes. Not counted in ClinVar's aggregate classification.

Literature cited by the submitters: PubMed 18054510 (cited by 10 submitters); PubMed 18523805 (cited by 4 submitters); PubMed 18676165 (cited by Labcorp Genetics (formerly Invitae), Labcorp and Illumina Laboratory Services, Illumina); PubMed 22241096 (cited by Labcorp Genetics (formerly Invitae), Labcorp); PubMed 21170680 (cited by 7 submitters); PubMed 24485985 (cited by 5 submitters); PubMed 21938826 (cited by New York Genome Center); PubMed 1692038 (cited by 5 submitters); PubMed 21483766 (cited by 3 submitters); PubMed 2808706 (cited by Ambry Genetics and OMIM); PubMed 27051597 (cited by Ambry Genetics); PubMed 22424739 (cited by Myriad Genetics, Inc.); Naito, E., Indo, Y., Tanaka, K. Short chain acyl-CoA dehydrogenase (SCAD) deficiency: demonstration of molecular heterogeneity and identification of point mutations. (Abstract) Am. J. Hum. Genet. 45 (suppl.): A208, 1989. (cited by OMIM).